The following is an entry in ClinVar:

ClinVar aggregate classification (germline): Benign/Likely benign. Review status: criteria provided, multiple submitters, no conflicts (2 of 4 stars). 5 submissions from 5 submitters: Benign (1); Likely benign (4). Last evaluated 2026-07-01.

Conditions:
Inborn genetic diseases. Identifiers: MedGen C0950123, MeSH D030342.

Allele frequency attached by ClinVar (database versions not stated): gnomAD exomes 0.00037 and 0.00078; ExAC 0.00083; 1000 Genomes Project 30x 0.00172; 1000 Genomes Project 0.00220.
gnomAD v4.1: 570 of 1,595,972 alleles (0.036%); highest among the groups gnomAD compares: South Asian, 0.58%; 6 homozygotes.

Submissions (5):

CeGaT Center for Human Genetics Tuebingen
Classification: Likely benign. Last evaluated: 2026-07-01. Review status: criteria provided, single submitter. Criteria: CeGaT Center For Human Genetics Tuebingen Variant Classification Criteria Version 2. Collection method: clinical testing. Allele origin: germline. Affected: yes. Observed: 1 variant allele.
Comment: KIF14: BP4

Labcorp Genetics (formerly Invitae), Labcorp
Classification: Benign. Last evaluated: 2026-01-25. Review status: criteria provided, single submitter. Criteria: Invitae Variant Classification Sherloc (09022015). Collection method: clinical testing. Allele origin: germline.

Ambry Genetics
Classification: Likely benign for Inborn genetic diseases. Last evaluated: 2025-10-02. Review status: criteria provided, single submitter. Criteria: Ambry Variant Classification Scheme 2023. Collection method: clinical testing. Allele origin: germline.

Mayo Clinic Laboratories, Mayo Clinic
Classification: Likely benign. Last evaluated: 2025-09-14. Review status: criteria provided, single submitter. Criteria: ACMG Guidelines, 2015. Collection method: clinical testing. Allele origin: germline. Observed: 1 variant allele.
Comment: BS1, BP4_moderate

Women's Health and Genetics/Laboratory Corporation of America, LabCorp
Classification: Likely benign. Last evaluated: 2022-05-03. Review status: criteria provided, single submitter. Criteria: LabCorp Variant Classification Summary - May 2015. Collection method: clinical testing. Allele origin: germline.

NM_014875.3(KIF14):c.1753T>C (p.Phe585Leu)

Gene: KIF14 (kinesin family member 14; minus strand). Cytogenetic location: 1q32.1.
Variant type: single nucleotide variant.
Coding change: c.1753T>C on transcript NM_014875.3 (MANE Select); coding-DNA position 1753, T replaced by C.
Protein change: p.Phe585Leu; replaces phenylalanine 585 with leucine.
Molecular consequence: missense variant.
Genome position (GRCh38, 1-based): chr1:200,603,949, A>G on the plus strand (T>C on the coding strand, the complement: KIF14 is on the minus strand). VCF-style: chr1-200603949-A-G. GRCh37 (hg19) VCF-style: chr1-200573077-A-G.
Other names: p.Phe585Leu; c.280T>C, p.Phe94Leu (NM_001305792.1); short protein forms F585L, F94L.
Identifiers: ClinVar variation 1696323 (VCV001696323.7), dbSNP rs201600249, ClinGen allele CA1317718.